The following is an entry in ClinVar:

NM_000878.5(IL2RB):c.1021G>A (p.Asp341Asn)

Gene: IL2RB (interleukin 2 receptor subunit beta; minus strand). Cytogenetic location: 22q12.3.
Variant type: single nucleotide variant.
Coding change: c.1021G>A on transcript NM_000878.5 (MANE Select); coding-DNA position 1021, G replaced by A.
Protein change: p.Asp341Asn; replaces aspartic acid 341 with asparagine.
Molecular consequence: missense variant.
Genome position (GRCh38, 1-based): chr22:37,128,731, C>T on the plus strand (G>A on the coding strand, the complement: IL2RB is on the minus strand). VCF-style: chr22-37128731-C-T. GRCh37 (hg19) VCF-style: chr22-37524771-C-T.
Other names: c.1021G>A, p.Asp341Asn (NM_001346222.1, NM_001346223.2); short protein forms D341N.
Identifiers: ClinVar variation 2584898 (VCV002584898.1), dbSNP rs2517833289, ClinGen allele CA411425431.

ClinVar aggregate classification (germline): Uncertain significance (1 of 4 stars; one submission).

Conditions:
Immunodeficiency 63 with lymphoproliferation and autoimmunity. Also called: INTERLEUKIN 2 RECEPTOR, BETA, DEFICIENCY OF; IL2RB DEFICIENCY; CD122 DEFICIENCY. Identifiers: MedGen C5193126, MONDO:0032782, OMIM 618495.

Submission:

Neuberg Centre For Genomic Medicine, NCGM
Classification: Uncertain significance for Immunodeficiency 63 with lymphoproliferation and autoimmunity. Review status: criteria provided, single submitter. Criteria: ACMG Guidelines, 2015. Collection method: clinical testing. Allele origin: germline. Inheritance: Autosomal recessive inheritance. Affected: yes.
Comment: The missense variant c.1021G>A (p.Asp341Asn) in IL2RB gene has not been reported previously as a pathogenic variant nor as a benign variant, to our knowledge. The p.Asp341Asn variant is novel (not in any individuals) in gnomAD Exomes and 1000 Genomes. The amino acid Asp at position 341 is changed to a Asn changing protein sequence and it might alter its composition and physico-chemical properties. The amino acid change p.Asp341Asn in IL2RB is predicted as conserved by GERP++ and PhyloP across 100 vertebrates. For these reasons, this variant has been classified as Uncertain Significance. In the absence of another reportable variant, the molecular diagnosis is not confirmed.